The following is an entry in ClinVar:

NM_006059.4(LAMC3):c.638G>A (p.Arg213Gln)

Gene: LAMC3 (laminin subunit gamma 3; plus strand). Cytogenetic location: 9q34.12.
Variant type: single nucleotide variant.
Coding change: c.638G>A on transcript NM_006059.4 (MANE Select); coding-DNA position 638, G replaced by A.
Protein change: p.Arg213Gln; replaces arginine 213 with glutamine.
Molecular consequence: missense variant.
Genome position (GRCh38, 1-based): chr9:131,026,549, G>A. VCF-style: chr9-131026549-G-A. GRCh37 (hg19) VCF-style: chr9-133901936-G-A.
Other names: c.638G>A (NM_006059.3); short protein forms R213Q.
Identifiers: ClinVar variation 2159481 (VCV002159481.2), dbSNP rs768982410, ClinGen allele CA5286751.

ClinVar aggregate classification (germline): Uncertain significance. Review status: criteria provided, multiple submitters, no conflicts (2 of 4 stars). 2 submissions from 2 submitters: Uncertain significance (2). Last evaluated 2023-01-17.

Allele frequency attached by ClinVar (database versions not stated): gnomAD 0.00003; ExAC 0.00005.
gnomAD v4.1: 27 of 1,607,956 alleles (0.0017%); highest among the groups gnomAD compares: Non-Finnish European, 0.002%; no homozygotes.

Submissions (2):

GeneDx
Classification: Uncertain significance. Last evaluated: 2023-01-17. Review status: criteria provided, single submitter. Criteria: GeneDx Variant Classification Process June 2021. Collection method: clinical testing. Allele origin: germline. Affected: yes.
Comment: Reported as a heterozygous variant in patients with neurodevelopmental disorders in the published literature; however, a second variant in LAMC3 was not reported in these individuals (Stessman et al., 2017; Guo et al., 2018); Not observed at significant frequency in large population cohorts (gnomAD); In silico analysis supports that this missense variant has a deleterious effect on protein structure/function; This variant is associated with the following publications: (PMID: 30564305, 28191889)

Labcorp Genetics (formerly Invitae), Labcorp
Classification: Uncertain significance. Last evaluated: 2022-07-19. Review status: criteria provided, single submitter. Criteria: Invitae Variant Classification Sherloc (09022015). Collection method: clinical testing. Allele origin: germline.
Comment: This sequence change replaces arginine, which is basic and polar, with glutamine, which is neutral and polar, at codon 213 of the LAMC3 protein (p.Arg213Gln). This variant is present in population databases (rs768982410, gnomAD 0.005%). This variant has not been reported in the literature in individuals affected with LAMC3-related conditions. Algorithms developed to predict the effect of missense changes on protein structure and function (SIFT, PolyPhen-2, Align-GVGD) all suggest that this variant is likely to be disruptive. In summary, the available evidence is currently insufficient to determine the role of this variant in disease. Therefore, it has been classified as a Variant of Uncertain Significance.